The following is an entry in ClinVar:

NM_174936.4(PCSK9):c.267G>A (p.Ser89=)

Gene: PCSK9 (proprotein convertase subtilisin/kexin type 9; plus strand). Cytogenetic location: 1p32.3.
Variant type: single nucleotide variant.
Coding change: c.267G>A on transcript NM_174936.4 (MANE Select); coding-DNA position 267, G replaced by A.
Protein change: p.Ser89=; no amino-acid change (serine 89 retained).
Molecular consequence: synonymous variant.
Genome position (GRCh38, 1-based): chr1:55,043,902, G>A. VCF-style: chr1-55043902-G-A. GRCh37 (hg19) VCF-style: chr1-55509575-G-A.
Identifiers: ClinVar variation 627675 (VCV000627675.16), dbSNP rs373551845, ClinGen allele CA041069.

ClinVar aggregate classification (germline): Benign/Likely benign. Review status: criteria provided, multiple submitters, no conflicts (2 of 4 stars). 6 submissions from 6 submitters: Benign (1); Likely benign (5). Last evaluated 2026-01-06.

Conditions:
Hypercholesterolemia, autosomal dominant, 3 (FHCL3). Also called: Familial Hypercholesterolemia, Autosomal Dominant, 3; PCSK9-Related Familial Hypercholesterolemia, Autosomal Dominant; Familial hypercholesterolemia 3. Identifiers: MedGen C1863551, MONDO:0011369, OMIM 603776.
Cardiovascular phenotype. Identifiers: MedGen CN230736.
Familial hypercholesterolemia. Also called: Familial hypercholesterolemias; Familial hypercholesterolaemia. Identifiers: MedGen C0020445, MONDO:0005439.

Allele frequency attached by ClinVar (database versions not stated): gnomAD exomes 0.00005; ExAC 0.00007; gnomAD 0.00007 and 0.00008; TOPMed 0.00012; ESP Exome Variant Server 0.00015; 1000 Genomes Project 30x 0.00016; 1000 Genomes Project 0.00020.
gnomAD v4.1: 37 of 1,614,184 alleles (0.0023%); highest among the groups gnomAD compares: African/African-American, 0.024%; no homozygotes.

Submissions (6):

Labcorp Genetics (formerly Invitae), Labcorp
Classification: Likely benign for Hypercholesterolemia, autosomal dominant, 3. Last evaluated: 2026-01-06. Review status: criteria provided, single submitter. Criteria: Invitae Variant Classification Sherloc (09022015). Collection method: clinical testing. Allele origin: germline.

GENinCode PLC
Classification: Likely benign for Familial hypercholesterolemia. Last evaluated: 2025-01-09. Review status: criteria provided, single submitter. Criteria: ACMG Guidelines, 2015. Collection method: clinical testing. Allele origin: germline.
Comment: This is a synonymous (silent) variant that is not predicted to impact splicing and occurs at a nucleotide which is not highly conserved. This variant has been classified as Likely Benign (BP4, BP7).

Women's Health and Genetics/Laboratory Corporation of America, LabCorp
Classification: Benign. Last evaluated: 2024-12-06. Review status: criteria provided, single submitter. Criteria: LabCorp Variant Classification Summary - May 2015. Collection method: clinical testing. Allele origin: germline.

All of Us Research Program, National Institutes of Health
Classification: Likely benign for Hypercholesterolemia, autosomal dominant, 3. Last evaluated: 2023-12-18. Review status: criteria provided, single submitter. Criteria: ACMG Guidelines, 2015. Collection method: clinical testing. Allele origin: germline. Inheritance: Autosomal dominant inheritance. Observed: 13 variant alleles, 13 heterozygotes.
Comment: This study involves interpretation of variants in research participants for the purpose of population health screening. Participant phenotype was not available at the time of variant classification. Additional details can be found in publication PMID: 35346344, PMCID: PMC8962531

Ambry Genetics
Classification: Likely benign for Cardiovascular phenotype. Last evaluated: 2023-05-21. Review status: criteria provided, single submitter. Criteria: Ambry Variant Classification Scheme 2023. Collection method: clinical testing. Allele origin: germline.

Color Diagnostics, LLC DBA Color Health
Classification: Likely benign for Familial hypercholesterolemias. Last evaluated: 2018-03-18. Review status: criteria provided, single submitter. Criteria: ACMG Guidelines, 2015. Collection method: clinical testing. Allele origin: germline.